The following is an entry in ClinVar:

NM_004252.5(NHERF1):c.757+13G>A

Gene: NHERF1 (NHERF family PDZ scaffold protein 1; plus strand). Cytogenetic location: 17q25.1.
Variant type: single nucleotide variant.
Coding change: c.757+13G>A on transcript NM_004252.5 (MANE Select); 13 bases into the intron after coding-DNA position 757, G replaced by A.
Molecular consequence: intron variant.
Genome position (GRCh38, 1-based): chr17:74,763,533, G>A. VCF-style: chr17-74763533-G-A. GRCh37 (hg19) VCF-style: chr17-72759672-G-A.
Identifiers: ClinVar variation 2869256 (VCV002869256.3), dbSNP rs1375982699, ClinGen allele CA627591819.
Genomic context (GRCh38, chr17:74,763,533, plus strand): 5'-AGTTCTTCAAGAAATGCAGAGTGATCCCATCTCAGGAGCACCTGAATGGTAAGCCAGGTG[G>A]GGCCACTGGCCGTCCTGGGGCTGGAGCCCCCCAAGTCAGGGATGTGAGCCAGGGCTAAGA-3'

ClinVar aggregate classification (germline): Uncertain significance (1 of 4 stars; one submission).

Allele frequency attached by ClinVar (database versions not stated): TOPMed below 0.00001; gnomAD 0.00001; gnomAD exomes 0.00001.
gnomAD v4.1: 11 of 1,576,354 alleles (0.0007%); no homozygotes.

Submission:

Labcorp Genetics (formerly Invitae), Labcorp
Classification: Uncertain significance. Last evaluated: 2025-05-29. Review status: criteria provided, single submitter. Criteria: Invitae Variant Classification Sherloc (09022015). Collection method: clinical testing. Allele origin: germline.
Comment: This sequence change falls in intron 3 of the SLC9A3R1 gene. It does not directly change the encoded amino acid sequence of the SLC9A3R1 protein. This variant is present in population databases (no rsID available, gnomAD 0.02%). This variant has not been reported in the literature in individuals affected with SLC9A3R1-related conditions. ClinVar contains an entry for this variant (Variation ID: 2869256). Algorithms developed to predict the effect of sequence changes on RNA splicing suggest that this variant may create or strengthen a splice site. In summary, the available evidence is currently insufficient to determine the role of this variant in disease. Therefore, it has been classified as a Variant of Uncertain Significance.